The following is an entry in ClinVar:

NM_000228.3(LAMB3):c.2286C>T (p.Thr762=)

Gene: LAMB3 (laminin subunit beta 3; minus strand). Cytogenetic location: 1q32.2.
Variant type: single nucleotide variant.
Coding change: c.2286C>T on transcript NM_000228.3 (MANE Select); coding-DNA position 2286, C replaced by T.
Protein change: p.Thr762=; no amino-acid change (threonine 762 retained).
Molecular consequence: synonymous variant.
Genome position (GRCh38, 1-based): chr1:209,623,577, G>A on the plus strand (C>T on the coding strand, the complement: LAMB3 is on the minus strand). VCF-style: chr1-209623577-G-A. GRCh37 (hg19) VCF-style: chr1-209796922-G-A.
Other names: c.2286C>T, p.Thr762= (NM_001017402.2, NM_001127641.1).
Identifiers: ClinVar variation 783963 (VCV000783963.17), dbSNP rs11555726, ClinGen allele CA1375291.

ClinVar aggregate classification (germline): Benign/Likely benign. Review status: criteria provided, multiple submitters, no conflicts (2 of 4 stars). 4 submissions from 4 submitters: Benign (1); Likely benign (2). 1 of the submissions does not count toward it. Last evaluated 2026-01-28.

Conditions:
LAMB3-related disorder. Also called: LAMB3-related condition.
Junctional epidermolysis bullosa. Identifiers: Orphanet 305, MedGen C0079301, MONDO:0017612.

Allele frequency attached by ClinVar (database versions not stated): gnomAD 0.00261 and 0.00282; ESP Exome Variant Server 0.00284; 1000 Genomes Project 30x 0.00297; 1000 Genomes Project 0.00300; TOPMed 0.00305.
gnomAD v4.1: 815 of 1,614,164 alleles (0.05%); highest among the groups gnomAD compares: African/African-American, 0.96%; 5 homozygotes.

Submissions (4):

Labcorp Genetics (formerly Invitae), Labcorp
Classification: Benign. Last evaluated: 2026-01-28. Review status: criteria provided, single submitter. Criteria: Invitae Variant Classification Sherloc (09022015). Collection method: clinical testing. Allele origin: germline.

Blueprint Genetics
Classification: Likely benign. Last evaluated: 2024-06-24. Review status: criteria provided, single submitter. Criteria: ACMG Guidelines, 2015. Collection method: clinical testing. Allele origin: germline.

Illumina Laboratory Services, Illumina
Classification: Likely benign for Junctional epidermolysis bullosa. Last evaluated: 2018-01-12. Review status: criteria provided, single submitter. Criteria: ICSL Variant Classification Criteria 13 December 2019. Collection method: clinical testing. Allele origin: germline.
Comment: This variant was observed in the ICSL laboratory as part of a predisposition screen in an ostensibly healthy population. It had not been previously curated by ICSL or reported in the Human Gene Mutation Database (HGMD: prior to June 1st, 2018), and was therefore a candidate for classification through an automated scoring system. Utilizing variant allele frequency, disease prevalence and penetrance estimates, and inheritance mode, an automated score was calculated to assess if this variant is too frequent to cause the disease. Based on the score and internal cut-off values, a variant classified as likely benign is not then subjected to further curation. The score for this variant resulted in a classification of likely benign for this disease.

PreventionGenetics, part of Exact Sciences
Classification: Likely benign for LAMB3-related condition. Last evaluated: 2019-02-28. Review status: no assertion criteria provided. Collection method: clinical testing. Allele origin: germline. Not counted in ClinVar's aggregate classification.
Comment: This variant is classified as likely benign based on ACMG/AMP sequence variant interpretation guidelines (Richards et al. 2015 PMID: 25741868, with internal and published modifications).